The following is an entry in ClinVar:

NM_001161352.2(KCNMA1):c.2350A>G (p.Lys784Glu)

Genes: KCNMA1 (potassium calcium-activated channel subfamily M alpha 1; minus strand), KCNMA1-AS1 (KCNMA1 antisense RNA 1; plus strand). Cytogenetic location: 10q22.3.
Variant type: single nucleotide variant.
Coding change: c.2350A>G on transcript NM_001161352.2 (MANE Select); coding-DNA position 2350, A replaced by G.
Protein change: p.Lys784Glu; replaces lysine 784 with glutamic acid.
Molecular consequence: missense variant.
Genome position (GRCh38, 1-based): chr10:76,969,984, T>C on the plus strand (A>G on the coding strand, the complement: KCNMA1 is on the minus strand). VCF-style: chr10-76969984-T-C. GRCh37 (hg19) VCF-style: chr10-78729742-T-C.
Other names: c.2188A>G, p.Lys730Glu (NM_001014797.3, NM_001322835.2, NM_001322837.2); c.2176A>G, p.Lys726Glu (NM_001161353.2, NM_001322832.2, NM_002247.4); c.2026A>G, p.Lys676Glu (NM_001271518.2); c.2185A>G, p.Lys729Glu (NM_001271519.2, NM_001322829.2, NM_001322836.2); c.2197A>G, p.Lys733Glu (NM_001322830.2); c.1723A>G, p.Lys575Glu (NM_001322838.2); short protein forms K726E, K730E, K575E, K784E, K676E, K733E, K729E.
Identifiers: ClinVar variation 532938 (VCV000532938.9), dbSNP rs751919609, ClinGen allele CA5568122.

ClinVar aggregate classification (germline): Uncertain significance (1 of 4 stars; one submission).

Conditions:
Generalized epilepsy-paroxysmal dyskinesia syndrome (PNKD3). Also called: Generalized epilepsy and paroxysmal dyskinesia; Paroxysmal nonkinesigenic dyskinesia, 3, with or without generalized epilepsy. Identifiers: Orphanet 79137, MedGen C5574945, MONDO:0012276, OMIM 609446.

Allele frequency attached by ClinVar (database versions not stated): gnomAD exomes below 0.00001 and 0.00001; ExAC 0.00002.
gnomAD v4.1: 5 of 1,612,054 alleles (0.00031%); highest among the groups gnomAD compares: South Asian, 0.0011%; no homozygotes.

Submission:

Labcorp Genetics (formerly Invitae), Labcorp
Classification: Uncertain significance for Generalized epilepsy-paroxysmal dyskinesia syndrome. Last evaluated: 2017-09-07. Review status: criteria provided, single submitter. Criteria: Invitae Variant Classification Sherloc (09022015). Collection method: clinical testing. Allele origin: germline.
Comment: This variant is present in population databases (rs751919609, ExAC 0.003%). In summary, the available evidence is currently insufficient to determine the role of this variant in disease. Therefore, it has been classified as a Variant of Uncertain Significance. Algorithms developed to predict the effect of missense changes on protein structure and function (SIFT, PolyPhen-2, Align-GVGD) all suggest that this variant is likely to be tolerated, but these predictions have not been confirmed by published functional studies and their clinical significance is uncertain. This variant has not been reported in the literature in individuals with KCNMA1-related disease. This sequence change replaces lysine with glutamic acid at codon 726 of the KCNMA1 protein (p.Lys726Glu). The lysine residue is moderately conserved and there is a small physicochemical difference between lysine and glutamic acid.